The following is an entry in ClinVar:

NC_000015.10:g.28014926CT[2]

Gene: OCA2 (OCA2 melanosomal transmembrane protein; minus strand). Cytogenetic location: 15q13.1.
Variant type: Microsatellite.
Genome position: GRCh38 VCF-style: chr15-28014924-GTC-G. GRCh37 (hg19) VCF-style: chr15-28260070-GTC-G.
Identifiers: ClinVar variation 4081759 (VCV004081759.1).

ClinVar aggregate classification (germline): Pathogenic (1 of 4 stars; one submission).

Conditions:
Tyrosinase-positive oculocutaneous albinism (OCA2). Also called: ALBINISM II; Oculocutaneous albinism type 2; Albinism, oculocutaneous, type II. Identifiers: Orphanet 79432, MedGen C0268495, MONDO:0008746, OMIM 203200.

Submission:

Myriad Genetics, Inc.
Classification: Pathogenic for Tyrosinase-positive oculocutaneous albinism. Last evaluated: 2025-04-10. Review status: criteria provided, single submitter. Criteria: Myriad Autosomal Dominant, Autosomal Recessive and X-Linked Classification Criteria (2023). Collection method: clinical testing. Allele origin: unknown.
Comment: NM_000275.2(OCA2):c.894_895delGA(E298Dfs*50) is a frameshift variant classified as pathogenic in the context of oculocutaneous albinism, OCA2-related. E298Dfs*50 has not been observed in cases with relevant disease. Relevant functional assessments of this variant are not available in the literature. E298Dfs*50 has not been observed in referenced population frequency databases. In summary, NM_000275.2(OCA2):c.894_895delGA(E298Dfs*50) is a frameshift variant in a gene where loss of function is a known mechanism of disease and is predicted to disrupt protein function. Please note: this variant was assessed in the context of healthy population screening.